The following is an entry in ClinVar:

NM_206933.4(USH2A):c.11712-2A>G

Gene: USH2A (usherin; minus strand). Cytogenetic location: 1q41.
Variant type: single nucleotide variant.
Coding change: c.11712-2A>G on transcript NM_206933.4 (MANE Select); the canonical splice acceptor site of the intron before coding-DNA position 11712, A replaced by G.
Molecular consequence: splice acceptor variant.
Genome position (GRCh38, 1-based): chr1:215,728,386, T>C on the plus strand (A>G on the coding strand, the complement: USH2A is on the minus strand). VCF-style: chr1-215728386-T-C. GRCh37 (hg19) VCF-style: chr1-215901728-T-C.
Identifiers: ClinVar variation 555141 (VCV000555141.4), dbSNP rs753505333, ClinGen allele CA1393630.

ClinVar aggregate classification (germline): Likely pathogenic. Review status: criteria provided, multiple submitters, no conflicts (2 of 4 stars). 3 submissions from 3 submitters: Likely pathogenic (2). 1 of the submissions does not count toward it. Last evaluated 2025-09-28.

Conditions:
Usher syndrome type 2A. Also called: RETINAL DISEASE IN USHER SYNDROME TYPE IIA, MODIFIER OF; USHER SYNDROME, TYPE IIA. Identifiers: Orphanet 231178, Orphanet 886, MedGen C1848634, MONDO:0010169, OMIM 276901.
Retinitis pigmentosa 39 (RP39). Identifiers: Orphanet 791, MedGen C3151138, MONDO:0013436, OMIM 613809.
USH2A-related disorder. Also called: USH2A-related disorders; USH2A-related condition. Identifiers: MedGen CN239332.

gnomAD v4.1: 3 of 1,613,888 alleles (0.00019%); highest among the groups gnomAD compares: East Asian, 0.0022%; no homozygotes.

Submissions (3):

Natera, Inc.
Classification: Likely pathogenic for Usher syndrome type 2A. Last evaluated: 2025-09-28. Review status: criteria provided, single submitter. Criteria: Natera Variant Classification Schema (03/2026). Collection method: clinical testing. Allele origin: germline.
Comment: The c.11712-2A>G variant in USH2A is a canonical splice acceptor site variant predicted to affect pre-mRNA splicing, which may result in an abnormal transcript and altered protein product. This variant is expected to result in nonsense mediated decay, truncation, or a dysfunctional protein product. This variant is rare in the general population with a frequency below the threshold expected for the associated phenotype(s). Given the available evidence, this variant is classified as Likely Pathogenic.

Blueprint Genetics
Classification: Likely pathogenic for USH2A-related disorders. Last evaluated: 2020-01-17. Review status: criteria provided, single submitter. Criteria: ACMG Guidelines, 2015. Collection method: clinical testing. Allele origin: germline. Affected: yes. Observed: 1 variant allele.

Counsyl
Classification: Likely pathogenic for Usher syndrome type 2A; Retinitis pigmentosa 39. Last evaluated: 2017-11-17. Review status: no assertion criteria provided. Collection method: clinical testing. Allele origin: unknown. Not counted in ClinVar's aggregate classification.